The following is an entry in ClinVar:

NM_000173.7(GP1BA):c.1127C>T (p.Pro376Leu)

Gene: GP1BA (glycoprotein Ib platelet subunit alpha; plus strand). Cytogenetic location: 17p13.2.
Variant type: single nucleotide variant.
Coding change: c.1127C>T on transcript NM_000173.7 (MANE Select); coding-DNA position 1127, C replaced by T.
Protein change: p.Pro376Leu; replaces proline 376 with leucine.
Molecular consequence: missense variant.
Genome position (GRCh38, 1-based): chr17:4,933,731, C>T. VCF-style: chr17-4933731-C-T. GRCh37 (hg19) VCF-style: chr17-4837026-C-T.
Other names: c.1127C>T (NM_000173.5); short protein forms P376L.
Identifiers: ClinVar variation 4535628 (VCV004535628.2).

ClinVar aggregate classification (germline): Conflicting classifications of pathogenicity. Review status: criteria provided, conflicting classifications (1 of 4 stars). 2 submissions from 2 submitters: Uncertain significance (1); Likely benign (1). Last evaluated 2025-09-26.

Conditions:
Inborn genetic diseases. Identifiers: MedGen C0950123, MeSH D030342.

gnomAD v4.1: 47 of 1,613,832 alleles (0.0029%); highest among the groups gnomAD compares: Non-Finnish European, 0.0039%; no homozygotes.

Submissions (2):

Ambry Genetics
Classification: Likely benign for Inborn genetic diseases. Last evaluated: 2025-09-26. Review status: criteria provided, single submitter. Criteria: Ambry Variant Classification Scheme 2023. Collection method: clinical testing. Allele origin: germline.

Women's Health and Genetics/Laboratory Corporation of America, LabCorp
Classification: Uncertain significance. Last evaluated: 2025-09-10. Review status: criteria provided, single submitter. Criteria: LabCorp Variant Classification Summary - May 2015. Collection method: clinical testing. Allele origin: germline.
Comment: Variant summary: GP1BA c.1127C>T (p.Pro376Leu) results in a non-conservative amino acid change in the encoded protein sequence. Algorithms developed to predict the effect of missense changes on protein structure and function are either unavailable or do not agree on the potential impact of this missense change. The variant allele was found at a frequency of 3.6e-05 in 249260 control chromosomes. The available data on variant occurrences in the general population are insufficient to allow any conclusion about variant significance. To our knowledge, no occurrence of c.1127C>T in individuals affected with GP1BA-related conditions and no experimental evidence demonstrating its impact on protein function have been reported. No submitters have cited clinical-significance assessments for this variant to ClinVar. Based on the evidence outlined above, the variant was classified as uncertain significance.